The following is an entry in ClinVar:

NM_001070.5(TUBG1):c.1107G>A (p.Ser369=)

Gene: TUBG1 (tubulin gamma 1; plus strand). Cytogenetic location: 17q21.2.
Variant type: single nucleotide variant.
Coding change: c.1107G>A on transcript NM_001070.5 (MANE Select); coding-DNA position 1107, G replaced by A.
Protein change: p.Ser369=; no amino-acid change (serine 369 retained).
Molecular consequence: synonymous variant.
Genome position (GRCh38, 1-based): chr17:42,614,606, G>A. VCF-style: chr17-42614606-G-A. GRCh37 (hg19) VCF-style: chr17-40766624-G-A.
Identifiers: ClinVar variation 506685 (VCV000506685.35), dbSNP rs140239168, ClinGen allele CA8580054.

ClinVar aggregate classification (germline): Likely benign. Review status: criteria provided, multiple submitters, no conflicts (2 of 4 stars). 4 submissions from 4 submitters: Likely benign (4). Last evaluated 2025-09-09.

Allele frequency attached by ClinVar (database versions not stated): 1000 Genomes Project 30x 0.00016; 1000 Genomes Project 0.00020; gnomAD exomes 0.00024 and 0.00043; ExAC 0.00028; gnomAD 0.00028; TOPMed 0.00043.
gnomAD v4.1: 666 of 1,614,052 alleles (0.041%); highest among the groups gnomAD compares: Non-Finnish European, 0.05%; no homozygotes.

Submissions (4):

Labcorp Genetics (formerly Invitae), Labcorp
Classification: Likely benign. Last evaluated: 2025-09-09. Review status: criteria provided, single submitter. Criteria: Invitae Variant Classification Sherloc (09022015). Collection method: clinical testing. Allele origin: germline.

Blueprint Genetics
Classification: Likely benign. Last evaluated: 2024-10-16. Review status: criteria provided, single submitter. Criteria: ACMG Guidelines, 2015. Collection method: clinical testing. Allele origin: germline.

CeGaT Center for Human Genetics Tuebingen
Classification: Likely benign. Last evaluated: 2022-09-01. Review status: criteria provided, single submitter. Criteria: CeGaT Center For Human Genetics Tuebingen Variant Classification Criteria Version 2. Collection method: clinical testing. Allele origin: germline. Affected: yes. Observed: 1 variant allele.
Comment: TUBG1: BP4, BP7

GeneDx
Classification: Likely benign. Last evaluated: 2020-08-30. Review status: criteria provided, single submitter. Criteria: GeneDx Variant Classification Process June 2021. Collection method: clinical testing. Allele origin: germline. Affected: yes.